The following is an entry in ClinVar:

NM_007357.3(COG2):c.1387C>T (p.Leu463Phe)

Gene: COG2 (component of oligomeric golgi complex 2; plus strand). Cytogenetic location: 1q42.2.
Variant type: single nucleotide variant.
Coding change: c.1387C>T on transcript NM_007357.3 (MANE Select); coding-DNA position 1387, C replaced by T.
Protein change: p.Leu463Phe; replaces leucine 463 with phenylalanine.
Molecular consequence: missense variant.
Genome position (GRCh38, 1-based): chr1:230,686,941, C>T. VCF-style: chr1-230686941-C-T. GRCh37 (hg19) VCF-style: chr1-230822687-C-T.
Other names: c.1387C>T, p.Leu463Phe (NM_001145036.2); short protein forms L463F.
Identifiers: ClinVar variation 656151 (VCV000656151.8), dbSNP rs141191461, ClinGen allele CA1447765.

ClinVar aggregate classification (germline): Uncertain significance. Review status: criteria provided, multiple submitters, no conflicts (2 of 4 stars). 2 submissions from 2 submitters: Uncertain significance (2). Last evaluated 2025-04-08.

Conditions:
Congenital disorder of glycosylation, type IIq. Also called: CDG IIq. Identifiers: Orphanet 435934, MedGen C4479353, MONDO:0054559, OMIM 617395.

Allele frequency attached by ClinVar (database versions not stated): gnomAD 0.00006; gnomAD exomes 0.00007 and 0.00027; ExAC 0.00009; TOPMed 0.00009; ESP Exome Variant Server 0.00015.
gnomAD v4.1: 387 of 1,524,216 alleles (0.025%); highest among the groups gnomAD compares: Non-Finnish European, 0.032%; 1 homozygote.

Submissions (2):

Ambry Genetics
Classification: Uncertain significance. Last evaluated: 2025-04-08. Review status: criteria provided, single submitter. Criteria: Ambry Variant Classification Scheme 2023. Collection method: clinical testing. Allele origin: germline.

Labcorp Genetics (formerly Invitae), Labcorp
Classification: Uncertain significance for Congenital disorder of glycosylation, type IIq. Last evaluated: 2022-11-05. Review status: criteria provided, single submitter. Criteria: Invitae Variant Classification Sherloc (09022015). Collection method: clinical testing. Allele origin: germline.
Comment: In summary, the available evidence is currently insufficient to determine the role of this variant in disease. Therefore, it has been classified as a Variant of Uncertain Significance. Advanced modeling of protein sequence and biophysical properties (such as structural, functional, and spatial information, amino acid conservation, physicochemical variation, residue mobility, and thermodynamic stability) performed at Invitae indicates that this missense variant is not expected to disrupt COG2 protein function. ClinVar contains an entry for this variant (Variation ID: 656151). This variant has not been reported in the literature in individuals affected with COG2-related conditions. This variant is present in population databases (rs141191461, gnomAD 0.01%). This sequence change replaces leucine, which is neutral and non-polar, with phenylalanine, which is neutral and non-polar, at codon 463 of the COG2 protein (p.Leu463Phe).